The following is an entry in ClinVar:

NM_000152.5(GAA):c.1194+17G>T

Gene: GAA (alpha glucosidase; plus strand). Cytogenetic location: 17q25.3.
Variant type: single nucleotide variant.
Coding change: c.1194+17G>T on transcript NM_000152.5 (MANE Select); 17 bases into the intron after coding-DNA position 1194, G replaced by T.
Molecular consequence: intron variant.
Genome position (GRCh38, 1-based): chr17:80,108,624, G>T. VCF-style: chr17-80108624-G-T. GRCh37 (hg19) VCF-style: chr17-78082423-G-T.
Other names: c.1194+17G>T (LRG_673t1, NM_000152.4, NM_001079803.3 and 1 more transcripts).
Identifiers: ClinVar variation 383995 (VCV000383995.15), dbSNP rs548850587, ClinGen allele CA8815203.

ClinVar aggregate classification (germline): Likely benign. Review status: criteria provided, multiple submitters, no conflicts (2 of 4 stars). 5 submissions from 5 submitters: Likely benign (4). 1 of the submissions does not count toward it. Last evaluated 2026-01-19.

Conditions:
GAA-related disorder. Also called: GAA-related condition.
Glycogen storage disease, type II (IOPD). Also called: GLYCOGENOSIS, GENERALIZED, CARDIAC FORM; GSD II; Glycogen storage disease type 2; Acid maltase deficiency disease; Aglucosidase alfa; Deficiency of alpha-glucosidase. Identifiers: Orphanet 365, MedGen C0017921, MONDO:0009290, OMIM 232300.

Allele frequency attached by ClinVar (database versions not stated): gnomAD 0.00002; gnomAD exomes 0.00004 and 0.00009; TOPMed 0.00005; ExAC 0.00013.
gnomAD v4.1: 70 of 1,612,614 alleles (0.0043%); highest among the groups gnomAD compares: Middle Eastern, 0.13%; no homozygotes.

Submissions (5):

Labcorp Genetics (formerly Invitae), Labcorp
Classification: Likely benign for Glycogen storage disease, type II. Last evaluated: 2026-01-19. Review status: criteria provided, single submitter. Criteria: Invitae Variant Classification Sherloc (09022015). Collection method: clinical testing. Allele origin: germline.

Blueprint Genetics
Classification: Likely benign. Last evaluated: 2024-11-20. Review status: criteria provided, single submitter. Criteria: ACMG Guidelines, 2015. Collection method: clinical testing. Allele origin: germline.

GeneDx
Classification: Likely benign. Last evaluated: 2016-03-04. Review status: criteria provided, single submitter. Criteria: GeneDx Variant Classification (06012015). Collection method: clinical testing. Allele origin: germline. Affected: yes.
Comment: This variant is considered likely benign or benign based on one or more of the following criteria: it is a conservative change, it occurs at a poorly conserved position in the protein, it is predicted to be benign by multiple in silico algorithms, and/or has population frequency not consistent with disease.

Breakthrough Genomics
Classification: Likely benign. Review status: criteria provided, single submitter. Criteria: ACMG Guidelines, 2015. Collection method: not provided. Allele origin: germline. Inheritance: Autosomal recessive inheritance. Affected: yes.

PreventionGenetics, part of Exact Sciences
Classification: Likely benign for GAA-related condition. Last evaluated: 2022-09-20. Review status: no assertion criteria provided. Collection method: clinical testing. Allele origin: germline. Not counted in ClinVar's aggregate classification.
Comment: This variant is classified as likely benign based on ACMG/AMP sequence variant interpretation guidelines (Richards et al. 2015 PMID: 25741868, with internal and published modifications).